The following is an entry in ClinVar:

ClinVar aggregate classification (germline): Uncertain significance (1 of 4 stars; one submission).

Conditions:
Hereditary cancer-predisposing syndrome. Also called: Hereditary Cancer Syndrome; Hereditary neoplastic syndrome; Tumor predisposition; Neoplastic Syndromes, Hereditary. Identifiers: Orphanet 140162, MedGen C0027672, MeSH D009386, MONDO:0015356.

Submission:

Ambry Genetics
Classification: Uncertain significance for Hereditary cancer-predisposing syndrome. Last evaluated: 2020-04-06. Review status: criteria provided, single submitter. Criteria: Ambry Variant Classification Scheme 2023. Collection method: clinical testing. Allele origin: germline.
Comment: The p.D37N variant (also known as c.109G>A), located in coding exon 1 of the FLCN gene, results from a G to A substitution at nucleotide position 109. The aspartic acid at codon 37 is replaced by asparagine, an amino acid with highly similar properties. This amino acid position is well conserved in available vertebrate species. In addition, this alteration is predicted to be tolerated by in silico analysis. Since supporting evidence is limited at this time, the clinical significance of this alteration remains unclear.

NM_144997.7(FLCN):c.109G>A (p.Asp37Asn)

Gene: FLCN (folliculin; minus strand). Cytogenetic location: 17p11.2.
Variant type: single nucleotide variant.
Coding change: c.109G>A on transcript NM_144997.7 (MANE Select); coding-DNA position 109, G replaced by A.
Protein change: p.Asp37Asn; replaces aspartic acid 37 with asparagine.
Molecular consequence: missense variant.
Genome position (GRCh38, 1-based): chr17:17,228,029, C>T on the plus strand (G>A on the coding strand, the complement: FLCN is on the minus strand). VCF-style: chr17-17228029-C-T. GRCh37 (hg19) VCF-style: chr17-17131343-C-T.
Other names: c.109G>A, p.Asp37Asn (NM_001353229.2, NM_001353230.2, NM_001353231.2 and 1 more transcripts); short protein forms D37N.
Identifiers: ClinVar variation 1791810 (VCV001791810.2), dbSNP rs2145047060, ClinGen allele CA398535315.
Genomic context (GRCh38, chr17:17,228,029, plus strand): 5'-GACTGTTCATCTGAATGCCACCTTCCTCTTCTTCCGCCTGCTCACCCTGGCCAGGACTGT[C>T]CTCATTCCCATCCCCTTGAGGAAGTGGGGCGTGCAGCACCTCCGTGCAGAAGAGAGTGCG-3'
Protein context (NP_659434.2, residues 27-47): APLPQGDGNE[Asp37Asn]SPGQGEQAEE